The following is an entry in ClinVar:

ClinVar aggregate classification (germline): Uncertain significance (1 of 4 stars; one submission).

Allele frequency attached by ClinVar (database versions not stated): gnomAD 0.00001; TOPMed 0.00001; gnomAD exomes 0.00002.
gnomAD v4.1: 33 of 1,598,114 alleles (0.0021%); highest among the groups gnomAD compares: Non-Finnish European, 0.0026%; no homozygotes.

Submission:

Labcorp Genetics (formerly Invitae), Labcorp
Classification: Uncertain significance. Last evaluated: 2022-07-17. Review status: criteria provided, single submitter. Criteria: Invitae Variant Classification Sherloc (09022015). Collection method: clinical testing. Allele origin: germline.
Comment: This variant has not been reported in the literature in individuals affected with ARL3-related conditions. ClinVar contains an entry for this variant (Variation ID: 1368845). This variant is not present in population databases (gnomAD no frequency). Variants that disrupt the consensus splice site are a relatively common cause of aberrant splicing (PMID: 17576681, 9536098). Algorithms developed to predict the effect of sequence changes on RNA splicing suggest that this variant is not likely to affect RNA splicing. In summary, the available evidence is currently insufficient to determine the role of this variant in disease. Therefore, it has been classified as a Variant of Uncertain Significance. This sequence change falls in intron 5 of the ARL3 gene. It does not directly change the encoded amino acid sequence of the ARL3 protein. It affects a nucleotide within the consensus splice site.

Literature cited by the submitters: PubMed 17576681; PubMed 9536098.

NM_004311.4(ARL3):c.501+6A>G

Gene: ARL3 (ARF like GTPase 3; minus strand). Cytogenetic location: 10q24.32.
Variant type: single nucleotide variant.
Coding change: c.501+6A>G on transcript NM_004311.4 (MANE Select); 6 bases into the intron after coding-DNA position 501, A replaced by G.
Molecular consequence: intron variant.
Genome position (GRCh38, 1-based): chr10:102,685,810, T>C on the plus strand (A>G on the coding strand, the complement: ARL3 is on the minus strand). VCF-style: chr10-102685810-T-C. GRCh37 (hg19) VCF-style: chr10-104445567-T-C.
Identifiers: ClinVar variation 1368845 (VCV001368845.6), dbSNP rs1441103530, ClinGen allele CA471286583.
Genomic context (GRCh38, chr10:102,685,810, plus strand): 5'-CAATGAGACAGACCACCTCGGTTAGCTGTCATGTTGCCAGGTGGCCAAGCCTTCCTGTAA[T>C]CTCACCTGAACGCCCTCTCCTGTGAGAGCTGAGCAAGACTGGATCTGCCAGACTCGGTCG-3'